The following is an entry in ClinVar:

NM_001035.3(RYR2):c.11613T>C (p.Ile3871=)

Gene: RYR2 (ryanodine receptor 2; plus strand). Cytogenetic location: 1q43.
Variant type: single nucleotide variant.
Coding change: c.11613T>C on transcript NM_001035.3 (MANE Select); coding-DNA position 11613, T replaced by C.
Protein change: p.Ile3871=; no amino-acid change (isoleucine 3871 retained).
Molecular consequence: synonymous variant.
Genome position (GRCh38, 1-based): chr1:237,772,067, T>C. VCF-style: chr1-237772067-T-C. GRCh37 (hg19) VCF-style: chr1-237935367-T-C.
Identifiers: ClinVar variation 737251 (VCV000737251.13), dbSNP rs375364162, ClinGen allele CA085008.

ClinVar aggregate classification (germline): Likely benign. Review status: criteria provided, multiple submitters, no conflicts (2 of 4 stars). 3 submissions from 3 submitters: Likely benign (3). Last evaluated 2025-10-29.

Conditions:
Cardiovascular phenotype. Identifiers: MedGen CN230736.
Catecholaminergic polymorphic ventricular tachycardia (CVPT). Also called: Catecholamine-induced polymorphic ventricular tachycardia. Identifiers: Orphanet 3286, MedGen C5574922, MONDO:0017990.
Catecholaminergic polymorphic ventricular tachycardia 1. Also called: RYR2-Related Catecholaminergic Polymorphic Ventricular Tachycardia; VENTRICULAR TACHYCARDIA, CATECHOLAMINERGIC POLYMORPHIC, 1, WITH OR WITHOUT ATRIAL DYSFUNCTION AND/OR DILATED CARDIOMYOPATHY; VENTRICULAR TACHYCARDIA, STRESS-INDUCED POLYMORPHIC 1. Identifiers: Orphanet 3286, MedGen C1631597, MONDO:0011484, OMIM 604772.

Allele frequency attached by ClinVar (database versions not stated): gnomAD exomes below 0.00001 and 0.00001; gnomAD 0.00001; TOPMed 0.00001; ExAC 0.00004; ESP Exome Variant Server 0.00008.
gnomAD v4.1: 4 of 1,550,898 alleles (0.00026%); highest among the groups gnomAD compares: African/African-American, 0.0054%; no homozygotes.

Submissions (3):

Labcorp Genetics (formerly Invitae), Labcorp
Classification: Likely benign for Catecholaminergic polymorphic ventricular tachycardia 1. Last evaluated: 2025-10-29. Review status: criteria provided, single submitter. Criteria: Invitae Variant Classification Sherloc (09022015). Collection method: clinical testing. Allele origin: germline.

All of Us Research Program, National Institutes of Health
Classification: Likely benign for Catecholaminergic polymorphic ventricular tachycardia. Last evaluated: 2023-07-10. Review status: criteria provided, single submitter. Criteria: ACMG Guidelines, 2015. Collection method: clinical testing. Allele origin: germline. Inheritance: Autosomal dominant inheritance. Observed: 1 variant allele, 1 heterozygote.
Comment: This study involves interpretation of variants in research participants for the purpose of population health screening. Participant phenotype was not available at the time of variant classification. Additional details can be found in publication PMID: 35346344, PMCID: PMC8962531

Ambry Genetics
Classification: Likely benign for Cardiovascular phenotype. Last evaluated: 2020-03-06. Review status: criteria provided, single submitter. Criteria: Ambry Variant Classification Scheme 2023. Collection method: clinical testing. Allele origin: germline.